The following is an entry in ClinVar:

ClinVar aggregate classification (germline): Likely benign (0 of 4 stars; one submission).

Conditions:
TRPC3-related disorder. Also called: TRPC3-related condition.

Allele frequency attached by ClinVar (database versions not stated): ExAC 0.00001; ESP Exome Variant Server 0.00015.

Submission:

PreventionGenetics, part of Exact Sciences
Classification: Likely benign for TRPC3-related condition. Last evaluated: 2024-01-05. Review status: no assertion criteria provided. Collection method: clinical testing. Allele origin: germline.
Comment: This variant is classified as likely benign based on ACMG/AMP sequence variant interpretation guidelines (Richards et al. 2015 PMID: 25741868, with internal and published modifications).

NM_001130698.2(TRPC3):c.384G>T (p.Val128=)

Gene: TRPC3 (transient receptor potential cation channel subfamily C member 3; minus strand). Cytogenetic location: 4q27.
Variant type: single nucleotide variant.
Coding change: c.384G>T on transcript NM_001130698.2 (MANE Select); coding-DNA position 384, G replaced by T.
Protein change: p.Val128=; no amino-acid change (valine 128 retained).
Molecular consequence: synonymous variant.
Genome position (GRCh38, 1-based): chr4:121,932,874, C>A on the plus strand (G>T on the coding strand, the complement: TRPC3 is on the minus strand). VCF-style: chr4-121932874-C-A. GRCh37 (hg19) VCF-style: chr4-122854029-C-A.
Other names: c.384G>T, p.Val128= (NM_001366479.2); c.165G>T, p.Val55= (NM_003305.2).
Identifiers: ClinVar variation 3047444 (VCV003047444.2), dbSNP rs371298784, ClinGen allele CA3065164.
Genomic context (GRCh38, chr4:121,932,874, plus strand): 5'-CTGGCCCATGTAGTCCACGCAGTTGACGTTCAGCGTCTTGGACTCCTCCAGCATCTTGCG[C>A]ACCACTGGGATGTTGCCGTACTCGGCGGCGTCGAGGAAGCGCTCCTCCTCGGCGGTGAGG-3'
Protein context (NP_001124170.1, residues 118-138): DAAEYGNIPV[Val128=]RKMLEESKTL